The following is an entry in ClinVar:

NM_020987.5(ANK3):c.5836A>G (p.Lys1946Glu)

Gene: ANK3 (ankyrin 3; minus strand). Cytogenetic location: 10q21.2.
Variant type: single nucleotide variant.
Coding change: c.5836A>G on transcript NM_020987.5 (MANE Select); coding-DNA position 5836, A replaced by G.
Protein change: p.Lys1946Glu; replaces lysine 1946 with glutamic acid.
Molecular consequence: missense variant. On other transcripts: intron variant (4).
Genome position (GRCh38, 1-based): chr10:60,075,045, T>C on the plus strand (A>G on the coding strand, the complement: ANK3 is on the minus strand). VCF-style: chr10-60075045-T-C. GRCh37 (hg19) VCF-style: chr10-61834803-T-C.
Other names: c.4387+5492A>G (NM_001204403.2); c.4408+5492A>G (NM_001204404.2); c.4405+5492A>G (NM_001320874.2); c.1807+5492A>G (NM_001149.4); short protein forms K1946E.
Identifiers: ClinVar variation 1941534 (VCV001941534.2), dbSNP rs1332358923, ClinGen allele CA377014706.
Genomic context (GRCh38, chr10:60,075,045, plus strand): 5'-CATCCTTTTTAAGGATTTCACTAACTTTCACTAAGTCTTCCTTTACTTTCTCTACAATTT[T>C]GAAAGGTTCTTCATCATCTATTCTCCCTTCCTTTGGGAGTTCAGGTTGGAATGGCTTCTC-3'
Protein context (NP_066267.2, residues 1936-1956): EGRIDDEEPF[Lys1946Glu]IVEKVKEDLV

ClinVar aggregate classification (germline): Uncertain significance (1 of 4 stars; one submission).

Allele frequency attached by ClinVar (database versions not stated): gnomAD 0.00001; TOPMed 0.00002.
gnomAD v4.1: 1 of 1,613,804 alleles (0.000062%); highest among the groups gnomAD compares: Non-Finnish European, 0.000085%; no homozygotes.

Submission:

Labcorp Genetics (formerly Invitae), Labcorp
Classification: Uncertain significance. Last evaluated: 2022-08-22. Review status: criteria provided, single submitter. Criteria: Invitae Variant Classification Sherloc (09022015). Collection method: clinical testing. Allele origin: germline.
Comment: This sequence change replaces lysine, which is basic and polar, with glutamic acid, which is acidic and polar, at codon 1946 of the ANK3 protein (p.Lys1946Glu). This variant is not present in population databases (gnomAD no frequency). This variant has not been reported in the literature in individuals affected with ANK3-related conditions. Algorithms developed to predict the effect of missense changes on protein structure and function are either unavailable or do not agree on the potential impact of this missense change (SIFT: "Not Available"; PolyPhen-2: "Benign"; Align-GVGD: "Not Available"). In summary, the available evidence is currently insufficient to determine the role of this variant in disease. Therefore, it has been classified as a Variant of Uncertain Significance.